The following is an entry in ClinVar:

NM_025074.7(FRAS1):c.1108-2A>T

Gene: FRAS1 (Fraser extracellular matrix complex subunit 1; plus strand). Cytogenetic location: 4q21.21.
Variant type: single nucleotide variant.
Coding change: c.1108-2A>T on transcript NM_025074.7 (MANE Select); the canonical splice acceptor site of the intron before coding-DNA position 1108, A replaced by T.
Molecular consequence: splice acceptor variant.
Genome position (GRCh38, 1-based): chr4:78,282,818, A>T. VCF-style: chr4-78282818-A-T. GRCh37 (hg19) VCF-style: chr4-79203972-A-T.
Other names: c.1108-2A>T (NM_001166133.2).
Identifiers: ClinVar variation 2635548 (VCV002635548.1), dbSNP rs1727393873, ClinGen allele CA357365696.

ClinVar aggregate classification (germline): Likely pathogenic (1 of 4 stars; one submission).

Conditions:
FRAS1-related disorder. Also called: FRAS1-related condition.

Submission:

PreventionGenetics, part of Exact Sciences
Classification: Likely pathogenic for FRAS1-related condition. Last evaluated: 2023-01-20. Review status: criteria provided, single submitter. Criteria: ACMG Guidelines, 2015. Collection method: clinical testing. Allele origin: germline.
Comment: The FRAS1 c.1108-2A>T variant is predicted to disrupt the AG splice acceptor site and interfere with normal splicing. To our knowledge, this variant has not been reported in the literature or in a large population database, indicating this variant is rare. Variants that disrupt the consensus splice acceptor site in FRAS1 are expected to be pathogenic. This variant is interpreted as likely pathogenic.